The following is an entry in ClinVar:

NM_007325.5(GRIA3):c.1737T>A (p.Tyr579Ter)

Gene: GRIA3 (glutamate ionotropic receptor AMPA type subunit 3; plus strand). Cytogenetic location: Xq25.
Variant type: single nucleotide variant.
Coding change: c.1737T>A on transcript NM_007325.5 (MANE Select); coding-DNA position 1737, T replaced by A.
Protein change: p.Tyr579Ter; replaces tyrosine 579 with a stop codon.
Molecular consequence: nonsense.
Genome position (GRCh38, 1-based): chrX:123,417,638, T>A. VCF-style: chrX-123417638-T-A. GRCh37 (hg19) VCF-style: chrX-122551489-T-A.
Other names: c.1737T>A, p.Tyr579Ter (NM_000828.5); short protein forms Y579*.
Identifiers: ClinVar variation 2575572 (VCV002575572.1), dbSNP rs2521209381, ClinGen allele CA414257502.

ClinVar aggregate classification (germline): Uncertain significance (1 of 4 stars; one submission).

Submission:

GeneDx
Classification: Uncertain significance. Last evaluated: 2023-02-08. Review status: criteria provided, single submitter. Criteria: GeneDx Variant Classification Process June 2021. Collection method: clinical testing. Allele origin: germline. Affected: yes.
Comment: Not observed at significant frequency in large population cohorts (gnomAD); Nonsense variant predicted to result in protein truncation or nonsense mediated decay in a gene or region of a gene for which loss of function is not a well-established mechanism of disease; Has not been previously published as pathogenic or benign to our knowledge